The following is an entry in ClinVar:

ClinVar aggregate classification (germline): Benign. Review status: criteria provided, single submitter (1 of 4 stars). 2 submissions from 2 submitters: Benign (1). 1 of the submissions does not count toward it. Last evaluated 2023-04-11.

Conditions:
Radio-Tartaglia syndrome. Identifiers: Orphanet 662234, MedGen C5543339, MONDO:0859143, OMIM 619312.
SPEN-related disorder. Also called: SPEN-related condition.

Allele frequency attached by ClinVar (database versions not stated): 1000 Genomes Project 0.00938; 1000 Genomes Project 30x 0.00953; TOPMed 0.01344; gnomAD 0.01389; ESP Exome Variant Server 0.01545; ExAC 0.01556.

Submissions (14):

Genome-Nilou Lab
Classification: Benign for Radio-Tartaglia syndrome. Last evaluated: 2023-04-11. Review status: criteria provided, single submitter. Criteria: ACMG Guidelines, 2015. Collection method: clinical testing. Allele origin: germline. Affected: no.

PreventionGenetics, part of Exact Sciences
Classification: Benign for SPEN-related condition. Last evaluated: 2024-08-12. Review status: no assertion criteria provided. Collection method: clinical testing. Allele origin: germline. Not counted in ClinVar's aggregate classification.
Comment: This variant is classified as benign based on ACMG/AMP sequence variant interpretation guidelines (Richards et al. 2015 PMID: 25741868, with internal and published modifications).

Dr. Peter K. Rogan Lab, Western University
No classification provided (evidence only). Condition: Lung cancer. Review status: no classification provided. Collection method: in vitro. Allele origin: not applicable. Functional consequence: retained intron. Not counted in ClinVar's aggregate classification.

Dr. Peter K. Rogan Lab, Western University
No classification provided (evidence only). Condition: Lung cancer. Review status: no classification provided. Collection method: in vitro. Allele origin: not applicable. Functional consequence: retained intron. Not counted in ClinVar's aggregate classification.

Dr. Peter K. Rogan Lab, Western University
No classification provided (evidence only). Condition: Acute myeloid leukemia. Review status: no classification provided. Collection method: in vitro. Allele origin: not applicable. Functional consequence: retained intron. Not counted in ClinVar's aggregate classification.

Dr. Peter K. Rogan Lab, Western University
No classification provided (evidence only). Condition: Cervical cancer. Review status: no classification provided. Collection method: in vitro. Allele origin: not applicable. Functional consequence: retained intron. Not counted in ClinVar's aggregate classification.

Dr. Peter K. Rogan Lab, Western University
No classification provided (evidence only). Condition: Sarcoma. Review status: no classification provided. Collection method: in vitro. Allele origin: not applicable. Functional consequence: retained intron. Not counted in ClinVar's aggregate classification.

Dr. Peter K. Rogan Lab, Western University
No classification provided (evidence only). Condition: Sarcoma. Review status: no classification provided. Collection method: in vitro. Allele origin: not applicable. Functional consequence: retained intron. Not counted in ClinVar's aggregate classification.

Dr. Peter K. Rogan Lab, Western University
No classification provided (evidence only). Condition: Pancreatic adenocarcinoma. Review status: no classification provided. Collection method: in vitro. Allele origin: not applicable. Functional consequence: retained intron. Not counted in ClinVar's aggregate classification.

Dr. Peter K. Rogan Lab, Western University
No classification provided (evidence only). Condition: Cholangiocarcinoma. Review status: no classification provided. Collection method: in vitro. Allele origin: not applicable. Functional consequence: retained intron. Not counted in ClinVar's aggregate classification.

Dr. Peter K. Rogan Lab, Western University
No classification provided (evidence only). Condition: Ovarian serous cystadenocarcinoma. Review status: no classification provided. Collection method: in vitro. Allele origin: not applicable. Functional consequence: retained intron. Not counted in ClinVar's aggregate classification.

Dr. Peter K. Rogan Lab, Western University
No classification provided (evidence only). Condition: Uveal melanoma. Review status: no classification provided. Collection method: in vitro. Allele origin: not applicable. Functional consequence: retained intron. Not counted in ClinVar's aggregate classification.

Dr. Peter K. Rogan Lab, Western University
No classification provided (evidence only). Condition: Malignant tumor of esophagus. Review status: no classification provided. Collection method: in vitro. Allele origin: not applicable. Functional consequence: retained intron. Not counted in ClinVar's aggregate classification.

Dr. Peter K. Rogan Lab, Western University
No classification provided (evidence only). Condition: Malignant tumor of esophagus. Review status: no classification provided. Collection method: in vitro. Allele origin: not applicable. Functional consequence: retained intron. Not counted in ClinVar's aggregate classification.

NM_015001.3(SPEN):c.1635+6C>T

Gene: SPEN (spen family transcriptional repressor; plus strand). Cytogenetic location: 1p36.13.
Variant type: single nucleotide variant.
Coding change: c.1635+6C>T on transcript NM_015001.3 (MANE Select); 6 bases into the intron after coding-DNA position 1635, C replaced by T.
Molecular consequence: intron variant.
Genome position (GRCh38, 1-based): chr1:15,919,523, C>T. VCF-style: chr1-15919523-C-T. GRCh37 (hg19) VCF-style: chr1-16246018-C-T.
Other names: NC_000001.10:g.16246018C>T; c.1635+6C>T (NM_015001.2).
Identifiers: ClinVar variation 2585664 (VCV002585664.4), dbSNP rs114910457, ClinGen allele CA619095.
Genomic context (GRCh38, chr1:15,919,523, plus strand): 5'-TGTGTCAGATCAGTATTTAACACGACATTTCTGCCGATATGGGCCTGTGGTAAAGGTAGG[C>T]GGGAGGTTTTGGTATGTGGTTCAGACTTCTGACTCACTCGTCTTGGTATTCTCTCCTTTC-3'